The following is an entry in ClinVar:

NM_004168.4(SDHA):c.1196C>A (p.Pro399Gln)

Gene: SDHA (succinate dehydrogenase complex flavoprotein subunit A; plus strand). Cytogenetic location: 5p15.33.
Variant type: single nucleotide variant.
Coding change: c.1196C>A on transcript NM_004168.4 (MANE Select); coding-DNA position 1196, C replaced by A.
Protein change: p.Pro399Gln; replaces proline 399 with glutamine.
Molecular consequence: missense variant.
Genome position (GRCh38, 1-based): chr5:235,275, C>A. VCF-style: chr5-235275-C-A. GRCh37 (hg19) VCF-style: chr5-235390-C-A.
Other names: c.1052C>A, p.Pro351Gln (NM_001294332.2); c.1196C>A, p.Pro399Gln (NM_001330758.2); short protein forms P399Q, P351Q.
Identifiers: ClinVar variation 480869 (VCV000480869.16), dbSNP rs878854625, ClinGen allele CA359013648.
Genomic context (GRCh38, chr5:235,275, plus strand): 5'-GCCTGCCTGGCATTTCAGAGACAGCCATGATCTTCGCTGGCGTGGACGTCACGAAGGAGC[C>A]GATCCCTGTCCTCCCCACCGTGCATTATAACATGGGCGGCATTCCCACCAACTACAAGGG-3'
Protein context (NP_004159.2, residues 389-409): IFAGVDVTKE[Pro399Gln]IPVLPTVHYN

ClinVar aggregate classification (germline): Uncertain significance. Review status: criteria provided, multiple submitters, no conflicts (2 of 4 stars). 4 submissions from 4 submitters: Uncertain significance (4). Last evaluated 2025-05-26.

Conditions:
Mitochondrial complex II deficiency, nuclear type 1. Also called: SUCCINATE CoQ REDUCTASE DEFICIENCY. Identifiers: Orphanet 3208, MedGen C5700310, MONDO:0100294, OMIM 252011.
Pheochromocytoma/paraganglioma syndrome 5. Also called: Paragangliomas 5; SDHA-Related Hereditary Paraganglioma-Pheochromocytoma Syndrome. Identifiers: Orphanet 29072, MedGen C3279992, MONDO:0013602, OMIM 614165.
Hereditary cancer-predisposing syndrome. Also called: Neoplastic Syndromes, Hereditary; Hereditary Cancer Syndrome; Hereditary neoplastic syndrome; Tumor predisposition. Identifiers: Orphanet 140162, MedGen C0027672, MeSH D009386, MONDO:0015356.

Allele frequency attached by ClinVar (database versions not stated): gnomAD 0.00001; TOPMed 0.00001.
gnomAD v4.1: 2 of 1,613,956 alleles (0.00012%); highest among the groups gnomAD compares: Admixed American, 0.0017%; no homozygotes.

Submissions (4):

Labcorp Genetics (formerly Invitae), Labcorp
Classification: Uncertain significance for Pheochromocytoma/paraganglioma syndrome 5; Mitochondrial complex II deficiency, nuclear type 1. Last evaluated: 2025-05-26. Review status: criteria provided, single submitter. Criteria: Invitae Variant Classification Sherloc (09022015). Collection method: clinical testing. Allele origin: germline.
Comment: This sequence change replaces proline, which is neutral and non-polar, with glutamine, which is neutral and polar, at codon 399 of the SDHA protein (p.Pro399Gln). This variant is not present in population databases (gnomAD no frequency). This missense change has been observed in individual(s) with breast cancer (PMID: 36315513). ClinVar contains an entry for this variant (Variation ID: 480869). Invitae Evidence Modeling of protein sequence and biophysical properties (such as structural, functional, and spatial information, amino acid conservation, physicochemical variation, residue mobility, and thermodynamic stability) has been performed for this missense variant. However, the output from this modeling did not meet the statistical confidence thresholds required to predict the impact of this variant on SDHA protein function. In summary, the available evidence is currently insufficient to determine the role of this variant in disease. Therefore, it has been classified as a Variant of Uncertain Significance.

Ambry Genetics
Classification: Uncertain significance for Hereditary cancer-predisposing syndrome. Last evaluated: 2025-03-18. Review status: criteria provided, single submitter. Criteria: Ambry Variant Classification Scheme 2023. Collection method: clinical testing. Allele origin: germline.
Comment: The p.P399Q variant (also known as c.1196C>A), located in coding exon 9 of the SDHA gene, results from a C to A substitution at nucleotide position 1196. The proline at codon 399 is replaced by glutamine, an amino acid with similar properties. This amino acid position is highly conserved in available vertebrate species. In addition, this alteration is predicted to be deleterious by in silico analysis. Based on the available evidence, the clinical significance of this variant remains unclear.

Sema4
Classification: Uncertain significance for Hereditary cancer-predisposing syndrome. Last evaluated: 2021-07-13. Review status: criteria provided, single submitter. Criteria: Sema4 Curation Guidelines. Collection method: curation. Allele origin: germline.
Comment: The SDHA c.1196C>A (p.P399Q) variant has not been reported in the literature to our knowledge. It was not observed in the large and broad cohorts of the Genome Aggregation Database (PMID: 32461654). The variant has been reported in ClinVar (Variation ID 480869). Functional studies have not been performed and in silico tool predictions of the variants effect on protein function are inconclusive. The evidence is insufficient to meet ACMG/AMP criteria for classifying the variant as benign or pathogenic. Thus, the clinical significance of this variant is currently uncertain.

GeneDx
Classification: Uncertain significance. Last evaluated: 2018-05-09. Review status: criteria provided, single submitter. Criteria: GeneDx Variant Classification (06012015). Collection method: clinical testing. Allele origin: germline. Affected: yes.
Comment: The P399Q variant in the SDHA gene has not been reported previously as a pathogenic variant, nor as a benign variant, to our knowledge. The P399Q variant is not observed in large population cohorts (Lek et al., 2016). The P399Q variant is a non-conservative amino acid substitution, which is likely to impact secondary protein structure as these residues differ in polarity, charge, size and/or other properties. In-silico analyses, including protein predictors and evolutionary conservation, support a deleterious effect. We interpret P399Q as a variant of uncertain significance.

Literature cited by the submitters: PubMed 36315513 (cited by Labcorp Genetics (formerly Invitae), Labcorp).